The following is an entry in ClinVar:

NM_024598.4(USB1):c.13C>T (p.Pro5Ser)

Genes: USB1 (U6 snRNA biogenesis phosphodiesterase 1; plus strand), LOC112469011 (Sharpr-MPRA regulatory region 3942; plus strand). Cytogenetic location: 16q21.
Variant type: single nucleotide variant.
Coding change: c.13C>T on transcript NM_024598.4 (MANE Select); coding-DNA position 13, C replaced by T.
Protein change: p.Pro5Ser; replaces proline 5 with serine.
Molecular consequence: missense variant. On other transcripts: intron variant (1).
Genome position (GRCh38, 1-based): chr16:58,001,496, C>T. VCF-style: chr16-58001496-C-T. GRCh37 (hg19) VCF-style: chr16-58035400-C-T.
Other names: c.13C>T, p.Pro5Ser (NM_001195302.2, NM_001204911.2, NM_001330569.2); c.-55-983C>T (NM_001330568.2); short protein forms P5S.
Identifiers: ClinVar variation 5031612 (VCV005031612.1).

ClinVar aggregate classification (germline): Uncertain significance (1 of 4 stars; one submission).

Conditions:
Inborn genetic diseases. Identifiers: MedGen C0950123, MeSH D030342.

Submission:

Ambry Genetics
Classification: Uncertain significance for Inborn genetic diseases. Last evaluated: 2026-07-17. Review status: criteria provided, single submitter. Criteria: Ambry Variant Classification Scheme 2023. Collection method: clinical testing. Allele origin: germline.
Comment: The p.P5S variant (also known as c.13C>T), located in coding exon 1 of the USB1 gene, results from a C to T substitution at nucleotide position 13. The proline at codon 5 is replaced by serine, an amino acid with similar properties. This amino acid position is conserved. In addition, this alteration is predicted to be tolerated by in silico analysis. Based on the available evidence, the clinical significance of this variant remains unclear.